The following is an entry in ClinVar:

NM_005529.7(HSPG2):c.8265T>C (p.His2755=)

Gene: HSPG2 (heparan sulfate proteoglycan 2; minus strand). Cytogenetic location: 1p36.12.
Variant type: single nucleotide variant.
Coding change: c.8265T>C on transcript NM_005529.7 (MANE Select); coding-DNA position 8265, T replaced by C.
Protein change: p.His2755=; no amino-acid change (histidine 2755 retained).
Molecular consequence: synonymous variant.
Genome position (GRCh38, 1-based): chr1:21,846,499, A>G on the plus strand (T>C on the coding strand, the complement: HSPG2 is on the minus strand). VCF-style: chr1-21846499-A-G. GRCh37 (hg19) VCF-style: chr1-22172992-A-G.
Other names: c.8268T>C, p.His2756= (NM_001291860.2).
Identifiers: ClinVar variation 2638456 (VCV002638456.27), dbSNP rs1280300375, ClinGen allele CA416679402.

ClinVar aggregate classification (germline): Likely benign. Review status: criteria provided, multiple submitters, no conflicts (2 of 4 stars). 2 submissions from 2 submitters: Likely benign (2). Last evaluated 2023-08-17.

gnomAD v4.1: 8 of 1,613,744 alleles (0.0005%); highest among the groups gnomAD compares: Non-Finnish European, 0.00059%; no homozygotes.

Submissions (2):

Labcorp Genetics (formerly Invitae), Labcorp
Classification: Likely benign. Last evaluated: 2023-08-17. Review status: criteria provided, single submitter. Criteria: Invitae Variant Classification Sherloc (09022015). Collection method: clinical testing. Allele origin: germline.

CeGaT Center for Human Genetics Tuebingen
Classification: Likely benign. Last evaluated: 2022-06-01. Review status: criteria provided, single submitter. Criteria: CeGaT Center For Human Genetics Tuebingen Variant Classification Criteria Version 2. Collection method: clinical testing. Allele origin: germline. Affected: yes. Observed: 1 variant allele.
Comment: HSPG2: BP4, BP7